The following is an entry in ClinVar:

NM_000069.3(CACNA1S):c.5543G>T (p.Cys1848Phe)

Gene: CACNA1S (calcium voltage-gated channel subunit alpha1 S; minus strand). Cytogenetic location: 1q32.1.
Variant type: single nucleotide variant.
Coding change: c.5543G>T on transcript NM_000069.3 (MANE Select); coding-DNA position 5543, G replaced by T.
Protein change: p.Cys1848Phe; replaces cysteine 1848 with phenylalanine.
Molecular consequence: missense variant.
Genome position (GRCh38, 1-based): chr1:201,039,910, C>A on the plus strand (G>T on the coding strand, the complement: CACNA1S is on the minus strand). VCF-style: chr1-201039910-C-A. GRCh37 (hg19) VCF-style: chr1-201009038-C-A.
Other names: short protein forms C1848F.
Identifiers: ClinVar variation 3386265 (VCV003386265.1).

ClinVar aggregate classification (germline): Uncertain significance (1 of 4 stars; one submission).

Conditions:
Malignant hyperthermia, susceptibility to, 5 (MHS5). Also called: CACNA1S-Related Malignant Hyperthermia Susceptibility. Identifiers: Orphanet 423, MedGen C1866077, MONDO:0011163, OMIM 601887.

Submission:

All of Us Research Program, National Institutes of Health
Classification: Uncertain significance for Malignant hyperthermia, susceptibility to, 5. Last evaluated: 2024-05-14. Review status: criteria provided, single submitter. Criteria: ACMG Guidelines, 2015. Collection method: clinical testing. Allele origin: germline. Inheritance: Autosomal dominant inheritance. Observed: 1 variant allele, 1 heterozygote.
Comment: This missense variant replaces cysteine with phenylalanine at codon 1848 of the CACNA1S protein. Computational prediction suggests that this variant may not impact protein structure and function (internally defined REVEL score threshold <= 0.5, PMID: 27666373). To our knowledge, functional studies have not been reported for this variant. This variant has not been reported in individuals affected with CACNA1S-related disorders in the literature. This variant has not been identified in the general population by the Genome Aggregation Database (gnomAD). The available evidence is insufficient to determine the role of this variant in disease conclusively. Therefore, this variant is classified as a Variant of Uncertain Significance.

This study involves interpretation of variants in research participants for the purpose of population health screening. Participant phenotype was not available at the time of variant classification. Additional details can be found in publication PMID: 35346344, PMCID: PMC8962531